The following is an entry in ClinVar:

ClinVar aggregate classification (germline): Pathogenic (1 of 4 stars; one submission).

Conditions:
Familial cancer of breast. Also called: BREAST CANCER, FAMILIAL; hereditary breast carcinoma; Hereditary breast cancer. Identifiers: Orphanet 227535, MedGen C0346153, MONDO:0016419, OMIM 114480. Disease mechanism: loss of function.

Submission:

Myriad Genetics, Inc.
Classification: Pathogenic for Familial cancer of breast. Last evaluated: 2023-04-26. Review status: criteria provided, single submitter. Criteria: Myriad Autosomal Dominant, Autosomal Recessive and X-Linked Classification Criteria (2023). Collection method: clinical testing. Allele origin: unknown.
Comment: This variant is considered pathogenic. This variant creates a termination codon and is predicted to result in premature protein truncation.

NM_024675.4(PALB2):c.191C>A (p.Ser64Ter)

Gene: PALB2 (partner and localizer of BRCA2; minus strand). Cytogenetic location: 16p12.2.
Variant type: single nucleotide variant.
Coding change: c.191C>A on transcript NM_024675.4 (MANE Select); coding-DNA position 191, C replaced by A.
Protein change: p.Ser64Ter; replaces serine 64 with a stop codon.
Molecular consequence: nonsense. On other transcripts: 5 prime UTR variant (8), intron variant (3).
Genome position (GRCh38, 1-based): chr16:23,637,870, G>T on the plus strand (C>A on the coding strand, the complement: PALB2 is on the minus strand). VCF-style: chr16-23637870-G-T. GRCh37 (hg19) VCF-style: chr16-23649191-G-T.
Other names: c.131C>A, p.Ser44Ter (NM_001407296.1); c.191C>A, p.Ser64Ter (NM_001407297.1, NM_001407298.1, NM_001407299.1 and 3 more transcripts); c.-695C>A (NM_001407304.1, NM_001407305.1, NM_001407306.1 and 5 more transcripts); c.48+3240C>A (NM_001407314.1); c.-105+3240C>A (NM_001407313.1, NM_001407312.1); short protein forms S44*, S64*.
Identifiers: ClinVar variation 2584302 (VCV002584302.2), dbSNP rs1567223942, ClinGen allele CA395139044.